The following is an entry in ClinVar:

NC_000006.11:g.(?_111640856)_(111644166_?)del

Gene: REV3L (REV3 like, DNA directed polymerase zeta catalytic subunit; minus strand). Cytogenetic location: 6q21.
Variant type: Deletion.
Identifiers: ClinVar variation 3246165 (VCV003246165.1).

ClinVar aggregate classification (germline): Pathogenic (1 of 4 stars; one submission).

Submission:

Labcorp Genetics (formerly Invitae), Labcorp
Classification: Pathogenic. Last evaluated: 2023-08-21. Review status: criteria provided, single submitter. Criteria: Invitae Variant Classification Sherloc (09022015). Collection method: clinical testing. Allele origin: unknown.
Comment: For these reasons, this variant has been classified as Pathogenic. This variant has not been reported in the literature in individuals affected with REV3L-related conditions. This variant is a gross deletion of the genomic region encompassing exon(s) 27 of the REV3L gene. This deletion is out-of-frame, and is expected to create a premature termination codon and result in an absent or disrupted protein product. Loss-of-function variants in REV3L are known to be pathogenic (PMID: 26068067).

Literature cited by the submitters: PubMed 26068067.